The following is an entry in ClinVar:

ClinVar aggregate classification (germline): Conflicting classifications of pathogenicity. Review status: criteria provided, conflicting classifications (1 of 4 stars). 5 submissions from 5 submitters: Uncertain significance (1); Likely benign (4). Last evaluated 2026-09-01.

Conditions:
Oto-palato-digital syndrome, type II (OPD2). Also called: Otopalatodigital Syndrome, Type II; Otopalatodigital Syndrome Type 2 (FLNA-OPD2); FACIOPALATOOSSEOUS SYNDROME; OPD II SYNDROME. Identifiers: Orphanet 669, Orphanet 90652, MedGen C1844696, MONDO:0010571, OMIM 304120.
Heterotopia, periventricular, X-linked dominant (PVNH1). Also called: PERIVENTRICULAR NODULAR HETEROTOPIA 4; HETEROTOPIA, PERIVENTRICULAR, 1; PERIVENTRICULAR NODULAR HETEROTOPIA 1; X-linked periventricular heterotopia. Identifiers: Orphanet 2149, Orphanet 82004, MedGen C1848213, MONDO:0010233, OMIM 300049.
Frontometaphyseal dysplasia (FMD1). Identifiers: Orphanet 1826, MedGen C0265293, MONDO:0015942.
Melnick-Needles syndrome (MNS). Also called: Melnick-Needles Syndrome (FLNA-MNS); OSTEODYSPLASTY OF MELNICK AND NEEDLES; MELNICK-NEEDLES OSTEODYSPLASTY. Identifiers: Orphanet 2484, MedGen C0025237, MONDO:0010650, OMIM 309350.
Familial thoracic aortic aneurysm and aortic dissection (TAAD). Also called: Thoracic aortic aneurysms and dissections. Identifiers: Orphanet 91387, MedGen C4707243, MONDO:0019625.

Allele frequency attached by ClinVar (database versions not stated): ExAC 0.00001; gnomAD exomes 0.00001; gnomAD 0.00002; TOPMed 0.00002; ESP Exome Variant Server 0.00010.
gnomAD v4.1: 12 of 1,210,263 alleles (0.00099%); highest among the groups gnomAD compares: Non-Finnish European, 0.0011%; no homozygotes.

Submissions (5):

CeGaT Center for Human Genetics Tuebingen
Classification: Likely benign. Last evaluated: 2026-09-01. Review status: criteria provided, single submitter. Criteria: CeGaT Center For Human Genetics Tuebingen Variant Classification Criteria Version 2. Collection method: clinical testing. Allele origin: germline. Affected: yes. Observed: 1 variant allele.
Comment: FLNA: BP4, BP7

Labcorp Genetics (formerly Invitae), Labcorp
Classification: Likely benign for Oto-palato-digital syndrome, type II; Heterotopia, periventricular, X-linked dominant; Frontometaphyseal dysplasia; Melnick-Needles syndrome. Last evaluated: 2025-02-09. Review status: criteria provided, single submitter. Criteria: Invitae Variant Classification Sherloc (09022015). Collection method: clinical testing. Allele origin: germline.

Ambry Genetics
Classification: Likely benign for Familial thoracic aortic aneurysm and aortic dissection. Last evaluated: 2021-02-14. Review status: criteria provided, single submitter. Criteria: Ambry Variant Classification Scheme 2023. Collection method: clinical testing. Allele origin: germline.

Genetic Services Laboratory, University of Chicago
Classification: Uncertain significance. Last evaluated: 2017-03-15. Review status: criteria provided, single submitter. Criteria: ACMG Guidelines, 2015. Collection method: clinical testing. Allele origin: germline. Affected: no.

GeneDx
Classification: Likely benign. Last evaluated: 2016-01-06. Review status: criteria provided, single submitter. Criteria: GeneDx Variant Classification (06012015). Collection method: clinical testing. Allele origin: germline. Affected: yes.
Comment: This variant is considered likely benign or benign based on one or more of the following criteria: it is a conservative change, it occurs at a poorly conserved position in the protein, it is predicted to be benign by multiple in silico algorithms, and/or has population frequency not consistent with disease.

NM_001110556.2(FLNA):c.7389G>A (p.Ser2463=)

Gene: FLNA (filamin A; minus strand). Cytogenetic location: Xq28.
Variant type: single nucleotide variant.
Coding change: c.7389G>A on transcript NM_001110556.2 (MANE Select); coding-DNA position 7389, G replaced by A.
Protein change: p.Ser2463=; no amino-acid change (serine 2463 retained).
Molecular consequence: synonymous variant.
Genome position (GRCh38, 1-based): chrX:154,349,812, C>T on the plus strand (G>A on the coding strand, the complement: FLNA is on the minus strand). VCF-style: chrX-154349812-C-T. GRCh37 (hg19) VCF-style: chrX-153578180-C-T.
Other names: c.7365G>A, p.Ser2455= (NM_001456.4).
Identifiers: ClinVar variation 382810 (VCV000382810.18), dbSNP rs373103712, ClinGen allele CA10559894.